The following is an entry in ClinVar:

NM_022124.6(CDH23):c.2791G>A (p.Val931Met)

Gene: CDH23 (cadherin related 23; plus strand). Cytogenetic location: 10q22.1.
Variant type: single nucleotide variant.
Coding change: c.2791G>A on transcript NM_022124.6 (MANE Select); coding-DNA position 2791, G replaced by A.
Protein change: p.Val931Met; replaces valine 931 with methionine.
Molecular consequence: missense variant.
Genome position (GRCh38, 1-based): chr10:71,704,968, G>A. VCF-style: chr10-71704968-G-A. GRCh37 (hg19) VCF-style: chr10-73464725-G-A.
Other names: c.2791G>A, p.Val931Met (NM_001171930.2, NM_001171931.2); short protein forms V931M.
Identifiers: ClinVar variation 937716 (VCV000937716.11), dbSNP rs1865723841, ClinGen allele CA377139545.

ClinVar aggregate classification (germline): Uncertain significance. Review status: criteria provided, multiple submitters, no conflicts (2 of 4 stars). 2 submissions from 2 submitters: Uncertain significance (2). Last evaluated 2026-03-01.

Allele frequency attached by ClinVar (database versions not stated): gnomAD exomes below 0.00001.
gnomAD v4.1: 3 of 1,612,896 alleles (0.00019%); highest among the groups gnomAD compares: East Asian, 0.0022%; no homozygotes.

Submissions (2):

CeGaT Center for Human Genetics Tuebingen
Classification: Uncertain significance. Last evaluated: 2026-03-01. Review status: criteria provided, single submitter. Criteria: CeGaT Center For Human Genetics Tuebingen Variant Classification Criteria Version 2. Collection method: clinical testing. Allele origin: germline. Affected: yes. Observed: 1 variant allele.
Comment: CDH23: PM2, BP4

Labcorp Genetics (formerly Invitae), Labcorp
Classification: Uncertain significance. Last evaluated: 2022-09-13. Review status: criteria provided, single submitter. Criteria: Invitae Variant Classification Sherloc (09022015). Collection method: clinical testing. Allele origin: germline.
Comment: In summary, the available evidence is currently insufficient to determine the role of this variant in disease. Therefore, it has been classified as a Variant of Uncertain Significance. Advanced modeling of protein sequence and biophysical properties (such as structural, functional, and spatial information, amino acid conservation, physicochemical variation, residue mobility, and thermodynamic stability) performed at Invitae indicates that this missense variant is not expected to disrupt CDH23 protein function. ClinVar contains an entry for this variant (Variation ID: 937716). This variant has not been reported in the literature in individuals affected with CDH23-related conditions. This variant is not present in population databases (gnomAD no frequency). This sequence change replaces valine, which is neutral and non-polar, with methionine, which is neutral and non-polar, at codon 931 of the CDH23 protein (p.Val931Met).